The following is an entry in ClinVar:

NM_001042492.3(NF1):c.1341_1342del (p.Leu447_His448insTer)

Gene: NF1 (neurofibromin 1; plus strand). Cytogenetic location: 17q11.2.
Variant type: Deletion.
Coding change: c.1341_1342del on transcript NM_001042492.3 (MANE Select); coding-DNA positions 1341 to 1342, 2 bases deleted (TC; older notation c.1341_1342delTC).
Protein change: p.Leu447_His448insTer.
Molecular consequence: frameshift variant. On other transcripts: nonsense (1).
Genome position (GRCh38, 1-based): chr17:31,206,320-31,206,321, TC deleted. VCF-style (leftmost placement, unchanged base first): chr17-31206319-TTC-T. GRCh37 (hg19) VCF-style: chr17-29533337-TTC-T.
Other names: c.1341_1342delTC, p.His448Terfs (NM_000267.4); c.1341_1342del, p.Leu447_His448insTer (NM_001128147.3).
Identifiers: ClinVar variation 1074228 (VCV001074228.5), dbSNP rs2143914721, ClinGen allele CA2499224029.
Genomic context (GRCh38, chr17:31,206,319, plus strand): 5'-CTAAGATTGATGCTGTGTATTGTCACTCGGTTGAACTTCGAAATATGTTTGGTGAAACAC[TTC>T]ATAAAGCAGTGCAAGGTTGTGGAGCACACCCAGCAATACGAATGGCACCGGTAAGATAAA-3'

ClinVar aggregate classification (germline): Pathogenic (1 of 4 stars; one submission).

Conditions:
Neurofibromatosis, type 1 (NF1). Also called: VON RECKLINGHAUSEN DISEASE; Peripheral type neurofibromatosis; NEUROFIBROMATOSIS, TYPE I, SOMATIC; Neurofibromatosis, type I. Identifiers: Orphanet 636, MedGen C0027831, MONDO:0018975, OMIM 162200. Disease mechanism: loss of function.

Submission:

Labcorp Genetics (formerly Invitae), Labcorp
Classification: Pathogenic for Neurofibromatosis, type 1. Last evaluated: 2020-09-24. Review status: criteria provided, single submitter. Criteria: Invitae Variant Classification Sherloc (09022015). Collection method: clinical testing. Allele origin: germline.
Comment: This sequence change creates a premature translational stop signal (p.His448*) in the NF1 gene. It is expected to result in an absent or disrupted protein product. This variant is not present in population databases (ExAC no frequency). This variant has not been reported in the literature in individuals with NF1-related conditions. Loss-of-function variants in NF1 are known to be pathogenic (PMID: 10712197, 23913538). For these reasons, this variant has been classified as Pathogenic.

Literature cited by the submitters: PubMed 10712197; PubMed 23913538.